The following is an entry in ClinVar:

ClinVar aggregate classification (germline): Uncertain significance (1 of 4 stars; one submission).

Submission:

Labcorp Genetics (formerly Invitae), Labcorp
Classification: Uncertain significance. Last evaluated: 2025-02-16. Review status: criteria provided, single submitter. Criteria: Invitae Variant Classification Sherloc (09022015). Collection method: clinical testing. Allele origin: germline.
Comment: This sequence change replaces glycine, which is neutral and non-polar, with aspartic acid, which is acidic and polar, at codon 449 of the PRDM13 protein (p.Gly449Asp). This variant is not present in population databases (gnomAD no frequency). This variant has not been reported in the literature in individuals affected with PRDM13-related conditions. An algorithm developed to predict the effect of missense changes on protein structure and function (PolyPhen-2) suggests that this variant is likely to be tolerated. In summary, the available evidence is currently insufficient to determine the role of this variant in disease. Therefore, it has been classified as a Variant of Uncertain Significance.

NM_021620.4(PRDM13):c.1346G>A (p.Gly449Asp)

Gene: PRDM13 (PR/SET domain 13; plus strand). Cytogenetic location: 6q16.2.
Variant type: single nucleotide variant.
Coding change: c.1346G>A on transcript NM_021620.4 (MANE Select); coding-DNA position 1346, G replaced by A.
Protein change: p.Gly449Asp; replaces glycine 449 with aspartic acid.
Molecular consequence: missense variant.
Genome position (GRCh38, 1-based): chr6:99,613,981, G>A. VCF-style: chr6-99613981-G-A. GRCh37 (hg19) VCF-style: chr6-100061857-G-A.
Other names: short protein forms G449D.
Identifiers: ClinVar variation 4703874 (VCV004703874.1).